The following is an entry in ClinVar:

ClinVar aggregate classification (germline): Uncertain significance (1 of 4 stars; one submission).

Conditions:
2-aminoadipic 2-oxoadipic aciduria (AAKAD). Also called: Aminoadipic aciduria; ALPHA-AMINOADIPIC AND ALPHA-KETOADIPIC ACIDURIA. Identifiers: Orphanet 79154, MedGen C1859817, MONDO:0008774, OMIM 204750.

Submission:

Labcorp Genetics (formerly Invitae), Labcorp
Classification: Uncertain significance for 2-aminoadipic 2-oxoadipic aciduria. Last evaluated: 2021-09-29. Review status: criteria provided, single submitter. Criteria: Invitae Variant Classification Sherloc (09022015). Collection method: clinical testing. Allele origin: germline.
Comment: This sequence change replaces histidine with leucine at codon 465 of the DHTKD1 protein (p.His465Leu). The histidine residue is moderately conserved and there is a moderate physicochemical difference between histidine and leucine. This variant is not present in population databases (ExAC no frequency). This variant has not been reported in the literature in individuals affected with DHTKD1-related conditions. Algorithms developed to predict the effect of missense changes on protein structure and function are either unavailable or do not agree on the potential impact of this missense change (SIFT: "Tolerated"; PolyPhen-2: "Benign"; Align-GVGD: "Class C25"). In summary, the available evidence is currently insufficient to determine the role of this variant in disease. Therefore, it has been classified as a Variant of Uncertain Significance.

NM_018706.7(DHTKD1):c.1394A>T (p.His465Leu)

Gene: DHTKD1 (dehydrogenase E1 and transketolase domain containing 1; plus strand). Cytogenetic location: 10p14.
Variant type: single nucleotide variant.
Coding change: c.1394A>T on transcript NM_018706.7 (MANE Select); coding-DNA position 1394, A replaced by T.
Protein change: p.His465Leu; replaces histidine 465 with leucine.
Molecular consequence: missense variant.
Genome position (GRCh38, 1-based): chr10:12,097,719, A>T. VCF-style: chr10-12097719-A-T. GRCh37 (hg19) VCF-style: chr10-12139718-A-T.
Other names: short protein forms H465L.
Identifiers: ClinVar variation 1493481 (VCV001493481.6), dbSNP rs2131365248, ClinGen allele CA376020589.